The following is an entry in ClinVar:

NM_001349.4(DARS1):c.33G>A (p.Gln11=)

Genes: DARS1 (aspartyl-tRNA synthetase 1; minus strand), DARS1-AS1 (DARS1 antisense RNA 1; plus strand), LOC129934843 (ATAC-STARR-seq lymphoblastoid active region 16580; plus strand). Cytogenetic location: 2q21.3.
Variant type: single nucleotide variant.
Coding change: c.33G>A on transcript NM_001349.4 (MANE Select); coding-DNA position 33, G replaced by A.
Protein change: p.Gln11=; no amino-acid change (glutamine 11 retained).
Molecular consequence: synonymous variant. On other transcripts: non-coding transcript variant (2), 5 prime UTR variant (1).
Genome position (GRCh38, 1-based): chr2:135,985,436, C>T on the plus strand (G>A on the coding strand, the complement: DARS1 is on the minus strand). VCF-style: chr2-135985436-C-T. GRCh37 (hg19) VCF-style: chr2-136743006-C-T.
Other names: c.-210G>A (NM_001293312.1).
Identifiers: ClinVar variation 3706938 (VCV003706938.3).

ClinVar aggregate classification (germline): Likely benign. Review status: criteria provided, multiple submitters, no conflicts (2 of 4 stars). 2 submissions from 2 submitters: Likely benign (2). Last evaluated 2026-08-01.

Submissions (2):

CeGaT Center for Human Genetics Tuebingen
Classification: Likely benign. Last evaluated: 2026-08-01. Review status: criteria provided, single submitter. Criteria: CeGaT Center For Human Genetics Tuebingen Variant Classification Criteria Version 2. Collection method: clinical testing. Allele origin: germline. Affected: yes. Observed: 1 variant allele.
Comment: DARS1: PM2:Supporting, BP4, BP7

Labcorp Genetics (formerly Invitae), Labcorp
Classification: Likely benign. Last evaluated: 2024-02-20. Review status: criteria provided, single submitter. Criteria: Invitae Variant Classification Sherloc (09022015). Collection method: clinical testing. Allele origin: germline.